The following is an entry in ClinVar:

ClinVar aggregate classification (germline): Uncertain significance (1 of 4 stars; one submission).

Submission:

Labcorp Genetics (formerly Invitae), Labcorp
Classification: Uncertain significance. Last evaluated: 2024-06-08. Review status: criteria provided, single submitter. Criteria: Invitae Variant Classification Sherloc (09022015). Collection method: clinical testing. Allele origin: germline.
Comment: This sequence change replaces serine, which is neutral and polar, with glycine, which is neutral and non-polar, at codon 251 of the ZNF687 protein (p.Ser251Gly). This variant is present in population databases (no rsID available, gnomAD 0.0009%). This variant has not been reported in the literature in individuals affected with ZNF687-related conditions. Algorithms developed to predict the effect of missense changes on protein structure and function output the following: SIFT: "Not Available"; PolyPhen-2: "Benign"; Align-GVGD: "Not Available". The glycine amino acid residue is found in multiple mammalian species, which suggests that this missense change does not adversely affect protein function. In summary, the available evidence is currently insufficient to determine the role of this variant in disease. Therefore, it has been classified as a Variant of Uncertain Significance.

NM_020832.3(ZNF687):c.751A>G (p.Ser251Gly)

Gene: ZNF687 (zinc finger protein 687; plus strand). Cytogenetic location: 1q21.3.
Variant type: single nucleotide variant.
Coding change: c.751A>G on transcript NM_020832.3 (MANE Select); coding-DNA position 751, A replaced by G.
Protein change: p.Ser251Gly; replaces serine 251 with glycine.
Molecular consequence: missense variant.
Genome position (GRCh38, 1-based): chr1:151,287,042, A>G. VCF-style: chr1-151287042-A-G. GRCh37 (hg19) VCF-style: chr1-151259518-A-G.
Other names: c.751A>G, p.Ser251Gly (NM_001304763.2, NM_001304764.2); short protein forms S251G.
Identifiers: ClinVar variation 3684142 (VCV003684142.2).